The following is an entry in ClinVar:

NM_000355.4(TCN2):c.1089T>G (p.His363Gln)

Gene: TCN2 (transcobalamin 2; plus strand). Cytogenetic location: 22q12.2.
Variant type: single nucleotide variant.
Coding change: c.1089T>G on transcript NM_000355.4 (MANE Select); coding-DNA position 1089, T replaced by G.
Protein change: p.His363Gln; replaces histidine 363 with glutamine.
Molecular consequence: missense variant.
Genome position (GRCh38, 1-based): chr22:30,617,478, T>G. VCF-style: chr22-30617478-T-G. GRCh37 (hg19) VCF-style: chr22-31013465-T-G.
Other names: c.1008T>G, p.His336Gln (NM_001184726.2); c.1089T>G (NM_000355.3); short protein forms H336Q, H363Q.
Identifiers: ClinVar variation 1007057 (VCV001007057.7), dbSNP rs772074405, ClinGen allele CA10184957.

ClinVar aggregate classification (germline): Conflicting classifications of pathogenicity. Review status: criteria provided, conflicting classifications (1 of 4 stars). 2 submissions from 2 submitters: Uncertain significance (1); Likely benign (1). Last evaluated 2025-07-14.

Conditions:
Inborn genetic diseases. Identifiers: MedGen C0950123, MeSH D030342.
Transcobalamin II deficiency (TCN2D). Also called: Transcolabamin II deficiency; TC II DEFICIENCY; TCN2 DEFICIENCY. Identifiers: Orphanet 859, MedGen C0342701, MONDO:0010149, OMIM 275350.

Allele frequency attached by ClinVar (database versions not stated): ExAC 0.00002; gnomAD exomes 0.00002; gnomAD 0.00004; TOPMed 0.00005.

Submissions (2):

Ambry Genetics
Classification: Likely benign for Inborn genetic diseases. Last evaluated: 2025-07-14. Review status: criteria provided, single submitter. Criteria: Ambry Variant Classification Scheme 2023. Collection method: clinical testing. Allele origin: germline.

Labcorp Genetics (formerly Invitae), Labcorp
Classification: Uncertain significance for Transcobalamin II deficiency. Last evaluated: 2022-07-15. Review status: criteria provided, single submitter. Criteria: Invitae Variant Classification Sherloc (09022015). Collection method: clinical testing. Allele origin: germline.
Comment: This sequence change replaces histidine, which is basic and polar, with glutamine, which is neutral and polar, at codon 363 of the TCN2 protein (p.His363Gln). This variant is present in population databases (rs772074405, gnomAD 0.006%). This variant has not been reported in the literature in individuals affected with TCN2-related conditions. ClinVar contains an entry for this variant (Variation ID: 1007057). Algorithms developed to predict the effect of missense changes on protein structure and function output the following: SIFT: "Tolerated"; PolyPhen-2: "Benign"; Align-GVGD: "Class C0". The glutamine amino acid residue is found in multiple mammalian species, which suggests that this missense change does not adversely affect protein function. In summary, the available evidence is currently insufficient to determine the role of this variant in disease. Therefore, it has been classified as a Variant of Uncertain Significance.